The following is an entry in ClinVar:

NM_032756.4(HPDL):c.859T>C (p.Tyr287His)

Genes: HPDL (4-hydroxyphenylpyruvate dioxygenase like; plus strand), LOC129930440 (ATAC-STARR-seq lymphoblastoid active region 965; plus strand). Cytogenetic location: 1p34.1.
Variant type: single nucleotide variant.
Coding change: c.859T>C on transcript NM_032756.4 (MANE Select); coding-DNA position 859, T replaced by C.
Protein change: p.Tyr287His; replaces tyrosine 287 with histidine.
Molecular consequence: missense variant.
Genome position (GRCh38, 1-based): chr1:45,328,007, T>C. VCF-style: chr1-45328007-T-C. GRCh37 (hg19) VCF-style: chr1-45793679-T-C.
Other names: c.859T>C (NM_032756.2); short protein forms Y287H.
Identifiers: ClinVar variation 1344850 (VCV001344850.6), dbSNP rs777360560, ClinGen allele CA826350.

ClinVar aggregate classification (germline): Pathogenic/Likely pathogenic. Review status: criteria provided, multiple submitters, no conflicts (2 of 4 stars). 3 submissions from 3 submitters: Pathogenic (1); Likely pathogenic (1). 1 of the submissions does not count toward it. Last evaluated 2025-06-26.

Conditions:
Spastic paraplegia 83, autosomal recessive. Identifiers: Orphanet 631076, MedGen C5436637, MONDO:0033614, OMIM 619027.
Inborn genetic diseases. Identifiers: MedGen C0950123, MeSH D030342.
Spastic paraplegia. Identifiers: MedGen C0037772, HP:0001258.

Allele frequency attached by ClinVar (database versions not stated): gnomAD exomes 0.00002 and 0.00010; ExAC 0.00016.

Submissions (3):

Variantyx, Inc.
Classification: Likely pathogenic for Spastic paraplegia 83, autosomal recessive. Last evaluated: 2025-06-26. Review status: criteria provided, single submitter. Criteria: Variantyx Assertion Criteria 2022. Collection method: clinical testing. Allele origin: germline. Inheritance: Autosomal recessive inheritance.
Comment: This is a nonsynonymous variant in the HPDL gene (OMIM: 618994). Pathogenic variants in this gene have been associated with autosomal recessive spastic paraplegia-83. This variant has been identified in the homozygous or compound heterozygous state in at least 2 individual(s) reported in the published literature (PMID: 33970200, 32707086) (PM3. Functional studies have shown that this variant alters HPDL protein function (PMID: 33970200) (PS3) and multiple computational algorithms predict a deleterious effect for this variant (REVEL score: 0.882) (PP3). This variant has a 0.0450% maximum allele frequency in non-founder control populations (PM2). Based on the current evidence, this variant is classified as likely pathogenic for autosomal recessive spastic paraplegia-83.

Ambry Genetics
Classification: Pathogenic for Inborn genetic diseases. Last evaluated: 2025-06-09. Review status: criteria provided, single submitter. Criteria: Ambry Variant Classification Scheme 2023. Collection method: clinical testing. Allele origin: germline.
Comment: The c.859T>C (p.Y287H) alteration is located in exon 1 (coding exon 1) of the HPDL gene. This alteration results from a T to C substitution at nucleotide position 859, causing the tyrosine (Y) at amino acid position 287 to be replaced by a histidine (H). Based on data from gnomAD, the C allele has an overall frequency of 0.01% (25/251,158) total alleles studied. The highest observed frequency was 0.06% (22/34,574) of Latino alleles. This alteration has been reported homozygous or compound heterozygous with a second mutation in HPDL, in multiple patients with progressive spastic paraplegia but no neurocognitive delays (Husain, 2020; Wiessner, 2021; Ambry internal data). This amino acid position is highly conserved in available vertebrate species. Functional studies showed that the p.Y287H mutant resulted in decreased enzymatic activity in HPPD, a functionally well characterized orthologue of HPDL (Wiessner, 2021). This alteration is predicted to be deleterious by in silico analysis. Based on the available evidence, this alteration is classified as pathogenic.

Yale Center for Mendelian Genomics, Yale University
Classification: Likely pathogenic for Spastic paraplegia. Last evaluated: 2021-05-10. Review status: no assertion criteria provided. Collection method: literature only. Allele origin: germline. Affected: yes. Observed: 1 compound heterozygote. Study: Yale Center for Mendelian Genomics. Not counted in ClinVar's aggregate classification.

Literature cited by the submitters: PubMed 33970200 (cited by 3 submitters); PubMed 32707086 (cited by Variantyx, Inc. and Ambry Genetics).